The following is an entry in ClinVar:

NM_000465.4(BARD1):c.2002-10A>C

Gene: BARD1 (BRCA1 associated RING domain 1; minus strand). Cytogenetic location: 2q35.
Variant type: single nucleotide variant.
Coding change: c.2002-10A>C on transcript NM_000465.4 (MANE Select); 10 bases into the intron before coding-DNA position 2002, A replaced by C.
Molecular consequence: intron variant.
Genome position (GRCh38, 1-based): chr2:214,729,018, T>G on the plus strand (A>C on the coding strand, the complement: BARD1 is on the minus strand). VCF-style: chr2-214729018-T-G. GRCh37 (hg19) VCF-style: chr2-215593742-T-G.
Other names: c.592-10A>C (NM_001282548.2); c.1945-10A>C (NM_001282543.2); c.649-10A>C (NM_001282545.2); c.463-10A>C (NM_001282549.2).
Identifiers: ClinVar variation 2044544 (VCV002044544.5), dbSNP rs199758343, ClinGen allele CA2580065654.

ClinVar aggregate classification (germline): Likely benign. Review status: criteria provided, multiple submitters, no conflicts (2 of 4 stars). 2 submissions from 2 submitters: Likely benign (2). Last evaluated 2024-07-29.

Conditions:
Familial cancer of breast. Also called: hereditary breast carcinoma; Hereditary breast cancer; BREAST CANCER, FAMILIAL. Identifiers: Orphanet 227535, MedGen C0346153, MONDO:0016419, OMIM 114480. Disease mechanism: loss of function.

Allele frequency attached by ClinVar (database versions not stated): gnomAD exomes below 0.00001.
gnomAD v4.1: 1 of 1,613,224 alleles (0.000062%); no homozygotes.

Submissions (2):

Myriad Genetics, Inc.
Classification: Likely benign for Familial cancer of breast. Last evaluated: 2024-07-29. Review status: criteria provided, single submitter. Criteria: Myriad Autosomal Dominant, Autosomal Recessive and X-Linked Classification Criteria (2023). Collection method: clinical testing. Allele origin: unknown.
Comment: This variant is considered likely benign. This variant is intronic and is not expected to impact mRNA splicing.

Labcorp Genetics (formerly Invitae), Labcorp
Classification: Likely benign for Familial cancer of breast. Last evaluated: 2021-12-17. Review status: criteria provided, single submitter. Criteria: Invitae Variant Classification Sherloc (09022015). Collection method: clinical testing. Allele origin: germline.